The following is an entry in ClinVar:

NM_000390.4(CHM):c.1291C>T (p.His431Tyr)

Gene: CHM (CHM Rab escort protein; minus strand). Cytogenetic location: Xq21.2.
Variant type: single nucleotide variant.
Coding change: c.1291C>T on transcript NM_000390.4 (MANE Select); coding-DNA position 1291, C replaced by T.
Protein change: p.His431Tyr; replaces histidine 431 with tyrosine.
Molecular consequence: missense variant.
Genome position (GRCh38, 1-based): chrX:85,901,142, G>A on the plus strand (C>T on the coding strand, the complement: CHM is on the minus strand). VCF-style: chrX-85901142-G-A. GRCh37 (hg19) VCF-style: chrX-85156147-G-A.
Other names: c.847C>T, p.His283Tyr (NM_001320959.1, NM_001362517.1, NM_001362518.2 and 1 more transcripts); short protein forms H283Y, H431Y.
Identifiers: ClinVar variation 4760422 (VCV004760422.1).

ClinVar aggregate classification (germline): Uncertain significance (1 of 4 stars; one submission).

gnomAD v4.1: 2 of 1,200,739 alleles (0.00017%); highest among the groups gnomAD compares: Non-Finnish European, 0.00022%; no homozygotes.

Submission:

Labcorp Genetics (formerly Invitae), Labcorp
Classification: Uncertain significance. Last evaluated: 2025-12-23. Review status: criteria provided, single submitter. Criteria: Invitae Variant Classification Sherloc (09022015). Collection method: clinical testing. Allele origin: germline.
Comment: This sequence change replaces histidine, which is basic and polar, with tyrosine, which is neutral and polar, at codon 431 of the CHM protein (p.His431Tyr). This variant is not present in population databases (gnomAD no frequency). This variant has not been reported in the literature in individuals affected with CHM-related conditions. Invitae Evidence Modeling of protein sequence and biophysical properties (such as structural, functional, and spatial information, amino acid conservation, physicochemical variation, residue mobility, and thermodynamic stability) indicates that this missense variant is not expected to disrupt CHM protein function with a negative predictive value of 80%. In summary, the available evidence is currently insufficient to determine the role of this variant in disease. Therefore, it has been classified as a Variant of Uncertain Significance.